The following is an entry in ClinVar:

ClinVar aggregate classification (germline): Conflicting classifications of pathogenicity. Review status: criteria provided, conflicting classifications (1 of 4 stars). 3 submissions from 3 submitters: Uncertain significance (2); Likely benign (1). Last evaluated 2025-03-03.

Conditions:
Hereditary breast ovarian cancer syndrome. Also called: Hereditary breast and ovarian cancer syndrome; Hereditary breast and/or ovarian cancer syndrome; Breast and ovarian cancer; BRCA1- and BRCA2-Associated Hereditary Breast and Ovarian Cancer; Hereditary breast and ovarian cancer; Hereditary breast and ovarian cancer syndrome (HBOC). Identifiers: Orphanet 145, MedGen C0677776, MeSH D061325, MONDO:0003582. Disease mechanism: loss of function.
Hereditary cancer-predisposing syndrome. Also called: Neoplastic Syndromes, Hereditary; Hereditary Cancer Syndrome; Hereditary neoplastic syndrome; Tumor predisposition. Identifiers: Orphanet 140162, MedGen C0027672, MeSH D009386, MONDO:0015356.
Breast-ovarian cancer, familial, susceptibility to, 2 (BROVCA2). Also called: BRCA2 Hereditary Breast and Ovarian Cancer. Identifiers: Orphanet 145, MedGen C2675520, MONDO:0012933, OMIM 612555. Disease mechanism: loss of function.

Submissions (3):

Ambry Genetics
Classification: Likely benign for Hereditary cancer-predisposing syndrome. Last evaluated: 2025-03-03. Review status: criteria provided, single submitter. Criteria: Ambry Variant Classification Scheme 2023. Collection method: clinical testing. Allele origin: germline.

Labcorp Genetics (formerly Invitae), Labcorp
Classification: Uncertain significance for Hereditary breast ovarian cancer syndrome. Last evaluated: 2024-02-05. Review status: criteria provided, single submitter. Criteria: Invitae Variant Classification Sherloc (09022015). Collection method: clinical testing. Allele origin: germline.
Comment: This sequence change replaces proline, which is neutral and non-polar, with glutamine, which is neutral and polar, at codon 3324 of the BRCA2 protein (p.Pro3324Gln). This variant is not present in population databases (gnomAD no frequency). This variant has not been reported in the literature in individuals affected with BRCA2-related conditions. ClinVar contains an entry for this variant (Variation ID: 642508). Advanced modeling of protein sequence and biophysical properties (such as structural, functional, and spatial information, amino acid conservation, physicochemical variation, residue mobility, and thermodynamic stability) performed at Invitae indicates that this missense variant is not expected to disrupt BRCA2 protein function with a negative predictive value of 95%. In summary, the available evidence is currently insufficient to determine the role of this variant in disease. Therefore, it has been classified as a Variant of Uncertain Significance.

Centre for Mendelian Genomics, University Medical Centre Ljubljana
Classification: Uncertain significance for Breast-ovarian cancer, familial, susceptibility to, 2. Last evaluated: 2019-05-08. Review status: criteria provided, single submitter. Criteria: ACMG Guidelines, 2015. Collection method: clinical testing. Allele origin: unknown. Affected: yes.
Comment: This variant was classified as: Uncertain significance. The available evidence on this variant's pathogenicity is insufficient or conflicting. The following ACMG criteria were applied in classifying this variant: PM2,PP3.

NM_000059.4(BRCA2):c.9971C>A (p.Pro3324Gln)

Gene: BRCA2 (BRCA2 DNA repair associated; plus strand). Cytogenetic location: 13q13.1.
Variant type: single nucleotide variant.
Coding change: c.9971C>A on transcript NM_000059.4 (MANE Select); coding-DNA position 9971, C replaced by A.
Protein change: p.Pro3324Gln; replaces proline 3324 with glutamine.
Molecular consequence: missense variant.
Genome position (GRCh38, 1-based): chr13:32,398,484, C>A. VCF-style: chr13-32398484-C-A. GRCh37 (hg19) VCF-style: chr13-32972621-C-A.
Other names: short protein forms P3324Q.
Identifiers: ClinVar variation 642508 (VCV000642508.16), dbSNP rs1593202112, ClinGen allele CA387767460.